The following is an entry in ClinVar:

NM_001394062.1(MACF1):c.21477T>G (p.Asp7159Glu)

Gene: MACF1 (microtubule actin crosslinking factor 1; plus strand). Cytogenetic location: 1p34.3.
Variant type: single nucleotide variant.
Coding change: c.21477T>G on transcript NM_001394062.1 (MANE Select); coding-DNA position 21477, T replaced by G.
Protein change: p.Asp7159Glu; replaces aspartic acid 7159 with glutamic acid.
Molecular consequence: missense variant.
Genome position (GRCh38, 1-based): chr1:39,460,748, T>G. VCF-style: chr1-39460748-T-G. GRCh37 (hg19) VCF-style: chr1-39926420-T-G.
Other names: c.9555T>G, p.Asp3185Glu (NM_001397473.1); c.15300T>G, p.Asp5100Glu (NM_012090.5); short protein forms D3185E, D5100E, D7159E.
Identifiers: ClinVar variation 4881588 (VCV004881588.2).

ClinVar aggregate classification (germline): Uncertain significance (1 of 4 stars; one submission).

Conditions:
Lissencephaly 9 with complex brainstem malformation. Identifiers: Orphanet 572013, MedGen C5193029, MONDO:0032677, OMIM 618325.

Submission:

Dasa
Classification: Uncertain significance for Lissencephaly 9 with complex brainstem malformation. Last evaluated: 2025-07-11. Review status: criteria provided, single submitter. Criteria: DASA Assertion Criteria. Collection method: clinical testing. Allele origin: germline.
Comment: NM_001394062.1(MACF1):c.21477T>G (p.Asp7159Glu) is a missense variant that results in the substitution of aspartic acid with glutamic acid. This variant is absent from population databases. The currently available literature and clinical evidence are not sufficient to establish a definitive association between this variant and the reported condition. Therefore, this variant is classified as a variant of uncertain significance.